The following is an entry in ClinVar:

ClinVar aggregate classification (germline): Uncertain significance (1 of 4 stars; one submission).

Submission:

Ambry Genetics
Classification: Uncertain significance. Last evaluated: 2024-05-16. Review status: criteria provided, single submitter. Criteria: Ambry Variant Classification Scheme 2023. Collection method: clinical testing. Allele origin: germline.
Comment: The p.N727K variant (also known as c.2181C>G), located in coding exon 13 of the NPAT gene, results from a C to G substitution at nucleotide position 2181. The asparagine at codon 727 is replaced by lysine, an amino acid with similar properties. This amino acid position is conserved. In addition, this alteration is predicted to be tolerated by in silico analysis. Based on the available evidence, the clinical significance of this variant remains unclear.

NM_002519.3(NPAT):c.2181C>G (p.Asn727Lys)

Gene: NPAT (nuclear protein, coactivator of histone transcription; minus strand). Cytogenetic location: 11q22.3.
Variant type: single nucleotide variant.
Coding change: c.2181C>G on transcript NM_002519.3 (MANE Select); coding-DNA position 2181, C replaced by G.
Protein change: p.Asn727Lys; replaces asparagine 727 with lysine.
Molecular consequence: missense variant.
Genome position (GRCh38, 1-based): chr11:108,172,803, G>C on the plus strand (C>G on the coding strand, the complement: NPAT is on the minus strand). VCF-style: chr11-108172803-G-C. GRCh37 (hg19) VCF-style: chr11-108043530-G-C.
Other names: c.2181C>G, p.Asn727Lys (NM_001321307.1); short protein forms N727K.
Identifiers: ClinVar variation 3300693 (VCV003300693.1).
Genomic context (GRCh38, chr11:108,172,803, plus strand): 5'-ATCATCACTAATGATAACTTTGAGAGAGACGATATTTGATGCATCTATCTCTGCTGAGTT[G>C]TTGCTAGAAGGTTTATCATCAGTATTTTGGGACTCAGGGTGAGAATCTCCCACTGAAGAA-3'
Protein context (NP_002510.2, residues 717-737): SQNTDDKPSS[Asn727Lys]NSAEIDASNI